The following is an entry in ClinVar:

NM_001003787.4(STRADA):c.491T>C (p.Met164Thr)

Genes: STRADA (STE20 related adaptor alpha; minus strand), LOC125312417 (Sharpr-MPRA regulatory region 9817; plus strand). Cytogenetic location: 17q23.3.
Variant type: single nucleotide variant.
Coding change: c.491T>C on transcript NM_001003787.4 (MANE Select); coding-DNA position 491, T replaced by C.
Protein change: p.Met164Thr; replaces methionine 164 with threonine.
Molecular consequence: missense variant. On other transcripts: non-coding transcript variant (1).
Genome position (GRCh38, 1-based): chr17:63,710,581, A>G on the plus strand (T>C on the coding strand, the complement: STRADA is on the minus strand). VCF-style: chr17-63710581-A-G. GRCh37 (hg19) VCF-style: chr17-61787941-A-G.
Other names: c.380T>C, p.Met127Thr (NM_001003786.3, NM_001363789.1, NM_153335.6); c.317T>C, p.Met106Thr (NM_001003788.3, NM_001363790.1, NM_001363791.1); c.404T>C, p.Met135Thr (NM_001165969.2, NM_001363787.1, NM_001411084.1); c.359T>C, p.Met120Thr (NM_001165970.2); c.467T>C, p.Met156Thr (NM_001363786.1); c.491T>C, p.Met164Thr (NM_001363788.1, NM_001411083.1, NM_001411085.1); short protein forms M120T, M127T, M164T, M135T, M106T, M156T.
Identifiers: ClinVar variation 1989743 (VCV001989743.2), dbSNP rs1225606040, ClinGen allele CA400592663.

ClinVar aggregate classification (germline): Uncertain significance. Review status: criteria provided, multiple submitters, no conflicts (2 of 4 stars). 2 submissions from 2 submitters: Uncertain significance (2). Last evaluated 2024-04-30.

Conditions:
Polyhydramnios, megalencephaly, and symptomatic epilepsy (PMSE). Also called: PMSE SYNDROME. Identifiers: Orphanet 500533, MedGen C1970203, MONDO:0012611, OMIM 611087.

Allele frequency attached by ClinVar (database versions not stated): gnomAD exomes below 0.00001; TOPMed below 0.00001.

Submissions (2):

Fulgent Genetics
Classification: Uncertain significance for Polyhydramnios, megalencephaly, and symptomatic epilepsy. Last evaluated: 2024-04-30. Review status: criteria provided, single submitter. Criteria: ACMG Guidelines, 2015. Collection method: clinical testing. Allele origin: germline.

Labcorp Genetics (formerly Invitae), Labcorp
Classification: Uncertain significance for Polyhydramnios, megalencephaly, and symptomatic epilepsy. Last evaluated: 2022-05-17. Review status: criteria provided, single submitter. Criteria: Invitae Variant Classification Sherloc (09022015). Collection method: clinical testing. Allele origin: germline.
Comment: This sequence change replaces methionine, which is neutral and non-polar, with threonine, which is neutral and polar, at codon 164 of the STRADA protein (p.Met164Thr). This variant is present in population databases (no rsID available, gnomAD 0.0009%). This variant has not been reported in the literature in individuals affected with STRADA-related conditions. Algorithms developed to predict the effect of missense changes on protein structure and function output the following: SIFT: "Tolerated"; PolyPhen-2: "Benign"; Align-GVGD: "Class C0". The threonine amino acid residue is found in multiple mammalian species, which suggests that this missense change does not adversely affect protein function. In summary, the available evidence is currently insufficient to determine the role of this variant in disease. Therefore, it has been classified as a Variant of Uncertain Significance.